The following continues an entry in ClinVar:

NM_001267550.2(TTN):c.43690T>A (p.Ser14564Thr)

Gene: TTN. ClinVar aggregate classification (germline): Conflicting classifications of pathogenicity. Uncertain significance (7); Benign (2); Likely benign (12).

Submissions 16 to 21 of 21:

Illumina Laboratory Services, Illumina
Classification: Benign for Tibial muscular dystrophy. Last evaluated: 2017-04-27. Review status: criteria provided, single submitter. Criteria: ICSL Variant Classification Criteria 13 December 2019. Collection method: clinical testing. Allele origin: germline.
Comment: This variant was observed as part of a predisposition screen in an ostensibly healthy population. A literature search was performed for the gene, cDNA change, and amino acid change (where applicable). No publications were found based on this search. Allele frequency data from public databases was too high to be consistent with this variant causing disease. Therefore, this variant is classified as benign.

Illumina Laboratory Services, Illumina
Classification: Uncertain significance for Autosomal recessive limb-girdle muscular dystrophy type 2J. Last evaluated: 2017-04-27. Review status: criteria provided, single submitter. Criteria: ICSL Variant Classification Criteria 13 December 2019. Collection method: clinical testing. Allele origin: germline.

Illumina Laboratory Services, Illumina
Classification: Benign for Myopathy, myofibrillar, 9, with early respiratory failure. Last evaluated: 2017-04-27. Review status: criteria provided, single submitter. Criteria: ICSL Variant Classification Criteria 13 December 2019. Collection method: clinical testing. Allele origin: germline.
Comment: the same text as in the submission from Illumina Laboratory Services, Illumina above.

Illumina Laboratory Services, Illumina
Classification: Uncertain significance for Dilated cardiomyopathy 1G. Last evaluated: 2017-04-27. Review status: criteria provided, single submitter. Criteria: ICSL Variant Classification Criteria 13 December 2019. Collection method: clinical testing. Allele origin: germline.
Comment: This variant was observed as part of a predisposition screen in an ostensibly healthy population. A literature search was performed for the gene, cDNA change, and amino acid change (where applicable). Publications were found based on this search. However, the evidence from the literature, in combination with allele frequency data from public databases where available, was not sufficient to rule this variant in or out of causing disease. Therefore, this variant is classified as a variant of unknown significance.

Illumina Laboratory Services, Illumina
Classification: Uncertain significance for Early-onset myopathy with fatal cardiomyopathy. Last evaluated: 2017-04-27. Review status: criteria provided, single submitter. Criteria: ICSL Variant Classification Criteria 13 December 2019. Collection method: clinical testing. Allele origin: germline.

Eurofins Ntd Llc (ga)
Classification: Uncertain significance. Last evaluated: 2015-07-28. Review status: criteria provided, single submitter. Criteria: EGL Classification Definitions 2015. Collection method: clinical testing. Allele origin: germline. Observed: 3 variant alleles, 3 heterozygotes.

Literature cited by the submitters: PubMed 26498160 (cited by Women's Health and Genetics/Laboratory Corporation of America, LabCorp and Mayo Clinic Laboratories, Mayo Clinic); PubMed 26516846 (cited by Women's Health and Genetics/Laboratory Corporation of America, LabCorp); PubMed 30564623 (cited by Women's Health and Genetics/Laboratory Corporation of America, LabCorp and Ambry Genetics); PubMed 25016126 (cited by 5 submitters); PubMed 28857138 (cited by Women's Health and Genetics/Laboratory Corporation of America, LabCorp); PubMed 30021846 (cited by Women's Health and Genetics/Laboratory Corporation of America, LabCorp); PubMed 38689299 (cited by Women's Health and Genetics/Laboratory Corporation of America, LabCorp).